The following is an entry in ClinVar:

NC_000001.11:g.196706898_196873196del

Genes: CFH (complement factor H; plus strand), CFHR1 (complement factor H related 1; plus strand), CFHR3 (complement factor H related 3; plus strand), LOC126805964 (CDK7 strongly-dependent group 2 enhancer GRCh37_chr1:196827453-196828652; plus strand), LOC129388721 (MPRA-validated peak638 silencer; plus strand) and 1 more. Cytogenetic location: 1q31.3.
Variant type: Deletion.
Identifiers: ClinVar variation 2500782 (VCV002500782.1).

ClinVar aggregate classification (germline): Pathogenic (1 of 4 stars; one submission).

Conditions:
Atypical hemolytic-uremic syndrome with I factor anomaly. Also called: HEMOLYTIC UREMIC SYNDROME, ATYPICAL, SUSCEPTIBILITY TO, 3; AHUS, SUSCEPTIBILITY TO, 3. Identifiers: Orphanet 2134, MedGen C2752039, MONDO:0013041, OMIM 612923.

Submission:

Victorian Clinical Genetics Services, Murdoch Childrens Research Institute
Classification: Pathogenic for Atypical hemolytic-uremic syndrome with I factor anomaly. Review status: criteria provided, single submitter. Criteria: ACMG Guidelines, 2015. Collection method: clinical testing. Allele origin: paternal. Affected: yes.
Comment: A large heterozygous deletion (approximately 166kb) encompassing CFH exons 10-22 (NM_000186.4), CFHR3 and CFHR1 was detected using whole genome sequencing. While this specific deletion is novel, the smaller deletion of CFHR3 and CFHR1 is a known susceptibility allele for aHUS and has been reported in approximately 26.5% of individuals with aHUS (GeneReviews). Individuals with aHUS harbouring various copy number variants spanning the CFH operon in combination with single nucleotide variants in CFI have been reported (PMIDs: 19861685, 23431077). Microarray analysis confirmed heterozygous deletion of a smaller region (approximately 38.4kb) encompassing CFH exons 10-22 (NM_000186.4). Loss of function variants of CFH are associated with susceptibility to aHUS. Partial deletions of CFH have not been reported. However, complex rearrangements/deletions/gene fusions of the CFH gene family are well documented (Gene Reviews, PMID:20301541, Cantsilieris et al 2018, 29686068)